The following is an entry in ClinVar:

ClinVar aggregate classification (germline): Uncertain significance (1 of 4 stars; one submission).

gnomAD v4.1: 12 of 1,574,588 alleles (0.00076%); highest among the groups gnomAD compares: Non-Finnish European, 0.001%; no homozygotes.

Submission:

Women's Health and Genetics/Laboratory Corporation of America, LabCorp
Classification: Uncertain significance. Last evaluated: 2023-06-12. Review status: criteria provided, single submitter. Criteria: LabCorp Variant Classification Summary - May 2015. Collection method: clinical testing. Allele origin: germline.
Comment: Variant summary: ABCA7 c.3397G>C (p.Gly1133Arg) results in a non-conservative amino acid change in the encoded protein sequence. Five of five in-silico tools predict a damaging effect of the variant on protein function. The variant was absent in 186170 control chromosomes (gnomAD). The available data on variant occurrences in the general population are insufficient to allow any conclusion about variant significance. To our knowledge, no occurrence of c.3397G>C in individuals affected with Alzheimer Disease, Type 9 and no experimental evidence demonstrating its impact on protein function have been reported. No clinical diagnostic laboratories have submitted clinical-significance assessments for this variant to ClinVar after 2014, although another missense variant resulting in the same amino acid change (c.3397G>A) was classified as uncertain significance by a ClinVar submitter. Based on the evidence outlined above, the variant was classified as uncertain significance.

NM_019112.4(ABCA7):c.3397G>C (p.Gly1133Arg)

Gene: ABCA7 (ATP binding cassette subfamily A member 7; plus strand). Cytogenetic location: 19p13.3.
Variant type: single nucleotide variant.
Coding change: c.3397G>C on transcript NM_019112.4 (MANE Select); coding-DNA position 3397, G replaced by C.
Protein change: p.Gly1133Arg; replaces glycine 1133 with arginine.
Molecular consequence: missense variant.
Genome position (GRCh38, 1-based): chr19:1,053,505, G>C. VCF-style: chr19-1053505-G-C. GRCh37 (hg19) VCF-style: chr19-1053504-G-C.
Other names: short protein forms G1133R.
Identifiers: ClinVar variation 2573596 (VCV002573596.1), dbSNP rs762159513, ClinGen allele CA9034011.